The following is an entry in ClinVar:

ClinVar aggregate classification (germline): Likely benign (1 of 4 stars; one submission).

Allele frequency attached by ClinVar (database versions not stated): 1000 Genomes Project 0.00539; 1000 Genomes Project 30x 0.00578; gnomAD 0.00630 and 0.00672; TOPMed 0.00725.

Submission:

GeneDx
Classification: Likely benign. Last evaluated: 2018-06-18. Review status: criteria provided, single submitter. Criteria: GeneDx Variant Classification (06012015). Collection method: clinical testing. Allele origin: germline. Affected: yes.
Comment: This variant is considered likely benign or benign based on one or more of the following criteria: it is a conservative change, it occurs at a poorly conserved position in the protein, it is predicted to be benign by multiple in silico algorithms, and/or has population frequency not consistent with disease.

NM_000232.5(SGCB):c.430-259G>C

Gene: SGCB (sarcoglycan beta; minus strand). Cytogenetic location: 4q12.
Variant type: single nucleotide variant.
Coding change: c.430-259G>C on transcript NM_000232.5 (MANE Select); 259 bases into the intron before coding-DNA position 430, G replaced by C.
Molecular consequence: intron variant.
Genome position (GRCh38, 1-based): chr4:52,029,180, C>G on the plus strand (G>C on the coding strand, the complement: SGCB is on the minus strand). VCF-style: chr4-52029180-C-G. GRCh37 (hg19) VCF-style: chr4-52895346-C-G.
Identifiers: ClinVar variation 673967 (VCV000673967.1), dbSNP rs78679373, ClinGen allele CA96782503.